The following is an entry in ClinVar:

NM_004667.6(HERC2):c.13229G>A (p.Arg4410His)

Gene: HERC2 (HECT and RLD domain containing E3 ubiquitin protein ligase 2; minus strand). Cytogenetic location: 15q13.1.
Variant type: single nucleotide variant.
Coding change: c.13229G>A on transcript NM_004667.6 (MANE Select); coding-DNA position 13229, G replaced by A.
Protein change: p.Arg4410His; replaces arginine 4410 with histidine.
Molecular consequence: missense variant.
Genome position (GRCh38, 1-based): chr15:28,121,389, C>T on the plus strand (G>A on the coding strand, the complement: HERC2 is on the minus strand). VCF-style: chr15-28121389-C-T. GRCh37 (hg19) VCF-style: chr15-28366535-C-T.
Other names: short protein forms R4410H.
Identifiers: ClinVar variation 2645034 (VCV002645034.24), dbSNP rs1301972291, ClinGen allele CA391372413.

ClinVar aggregate classification (germline): Uncertain significance (1 of 4 stars; one submission).

Allele frequency attached by ClinVar (database versions not stated): gnomAD exomes 0.00001; TOPMed 0.00001; gnomAD 0.00002.
gnomAD v4.1: 12 of 1,614,070 alleles (0.00074%); highest among the groups gnomAD compares: Non-Finnish European, 0.00059%; no homozygotes.

Submission:

CeGaT Center for Human Genetics Tuebingen
Classification: Uncertain significance. Last evaluated: 2023-04-01. Review status: criteria provided, single submitter. Criteria: CeGaT Center For Human Genetics Tuebingen Variant Classification Criteria Version 2. Collection method: clinical testing. Allele origin: germline. Affected: yes. Observed: 1 variant allele.
Comment: HERC2: PM2, PP2